The following is an entry in ClinVar:

NM_018930.4(PCDHB10):c.1848T>C (p.Gly616=)

Genes: PCDHB10 (protocadherin beta 10; plus strand), PCDHB@ (protocadherin beta cluster; plus strand). Cytogenetic location: 5q31.3.
Variant type: single nucleotide variant.
Coding change: c.1848T>C on transcript NM_018930.4 (MANE Select); coding-DNA position 1848, T replaced by C.
Protein change: p.Gly616=; no amino-acid change (glycine 616 retained).
Molecular consequence: synonymous variant.
Genome position (GRCh38, 1-based): chr5:141,194,400, T>C. VCF-style: chr5-141194400-T-C. GRCh37 (hg19) VCF-style: chr5-140573973-T-C.
Identifiers: ClinVar variation 4533965 (VCV004533965.6).

ClinVar aggregate classification (germline): Likely benign (1 of 4 stars; one submission).

gnomAD v4.1: 293 of 1,602,686 alleles (0.018%); highest among the groups gnomAD compares: African/African-American, 0.021%; no homozygotes.

Submission:

CeGaT Center for Human Genetics Tuebingen
Classification: Likely benign. Last evaluated: 2025-10-01. Review status: criteria provided, single submitter. Criteria: CeGaT Center For Human Genetics Tuebingen Variant Classification Criteria Version 2. Collection method: clinical testing. Allele origin: germline. Affected: yes. Observed: 1 variant allele.
Comment: PCDHB10: BP4, BP7